The following is an entry in ClinVar:

ClinVar aggregate classification (germline): Likely pathogenic (1 of 4 stars; one submission).

Submission:

Center for Genomic Medicine, Rigshospitalet, Copenhagen University Hospital
Classification: Likely pathogenic. Last evaluated: 2025-12-29. Review status: criteria provided, single submitter. Criteria: ACMG Guidelines, 2015. Collection method: clinical testing. Allele origin: germline.
Comment: Classification criteria: PM2_Supporting, PP3, PP4, PM3

NM_000552.5(VWF):c.874+3A>C

Gene: VWF (von Willebrand factor; minus strand). Cytogenetic location: 12p13.31.
Variant type: single nucleotide variant.
Coding change: c.874+3A>C on transcript NM_000552.5 (MANE Select); 3 bases into the intron after coding-DNA position 874, A replaced by C.
Molecular consequence: intron variant.
Genome position (GRCh38, 1-based): chr12:6,075,332, T>G on the plus strand (A>C on the coding strand, the complement: VWF is on the minus strand). VCF-style: chr12-6075332-T-G. GRCh37 (hg19) VCF-style: chr12-6184498-T-G.
Identifiers: ClinVar variation 4539316 (VCV004539316.1).